The following is an entry in ClinVar:

NM_002474.3(MYH11):c.4578+6T>C

Genes: NDE1 (nudE neurodevelopment protein 1; plus strand), MYH11 (myosin heavy chain 11; minus strand). Cytogenetic location: 16p13.11.
Variant type: single nucleotide variant.
Coding change: c.4578+6T>C on transcript NM_002474.3 (MANE Select); 6 bases into the intron after coding-DNA position 4578, T replaced by C.
Molecular consequence: intron variant.
Genome position (GRCh38, 1-based): chr16:15,721,416, A>G on the plus strand (T>C on the coding strand, the complement: MYH11 is on the minus strand). VCF-style: chr16-15721416-A-G. GRCh37 (hg19) VCF-style: chr16-15815273-A-G.
Other names: c.948-2775A>G (NM_001143979.2, NM_017668.3); c.4578+6T>C (NM_022844.3); c.4599+6T>C (NM_001040114.2, NM_001040113.2).
Identifiers: ClinVar variation 4708424 (VCV004708424.1).

ClinVar aggregate classification (germline): Uncertain significance. Review status: criteria provided, multiple submitters, no conflicts (2 of 4 stars). 2 submissions from 2 submitters: Uncertain significance (2). Last evaluated 2026-01-12.

Conditions:
Familial thoracic aortic aneurysm and aortic dissection (TAAD). Also called: Thoracic aortic aneurysms and dissections. Identifiers: Orphanet 91387, MedGen C4707243, MONDO:0019625.
Aortic aneurysm, familial thoracic 4 (AAT4). Also called: AORTIC ANEURYSM/AORTIC DISSECTION AND PATENT DUCTUS ARTERIOSUS. Identifiers: MedGen C1851504, MONDO:0007568, OMIM 132900.

gnomAD v4.1: 1 of 1,614,020 alleles (0.000062%); highest among the groups gnomAD compares: African/African-American, 0.0013%; no homozygotes.

Submissions (2):

Labcorp Genetics (formerly Invitae), Labcorp
Classification: Uncertain significance for Aortic aneurysm, familial thoracic 4. Last evaluated: 2026-01-12. Review status: criteria provided, single submitter. Criteria: Invitae Variant Classification Sherloc (09022015). Collection method: clinical testing. Allele origin: germline.
Comment: This sequence change falls in intron 33 of the MYH11 gene. It does not directly change the encoded amino acid sequence of the MYH11 protein. It affects a nucleotide within the consensus splice site. This variant is present in population databases (no rsID available, gnomAD 0.007%). This variant has not been reported in the literature in individuals affected with MYH11-related conditions. Variants that disrupt the consensus splice site are a relatively common cause of aberrant splicing (PMID: 17576681, 9536098). Algorithms developed to predict the effect of sequence changes on RNA splicing suggest that this variant is not likely to affect RNA splicing. In summary, the available evidence is currently insufficient to determine the role of this variant in disease. Therefore, it has been classified as a Variant of Uncertain Significance.

Color Diagnostics, LLC DBA Color Health
Classification: Uncertain significance for Familial thoracic aortic aneurysm and aortic dissection. Last evaluated: 2025-06-17. Review status: criteria provided, single submitter. Criteria: ACMG Guidelines, 2015. Collection method: clinical testing. Allele origin: germline.
Comment: This variant causes a T to C nucleotide substitution at the +6 position of intron 33/42 of the MYH11 gene. To our knowledge, functional studies have not been reported for this variant. This variant has not been reported in individuals affected with MYH11-related disorders in the literature. This variant has been identified in 1/251468 chromosomes in the general population by the Genome Aggregation Database (gnomAD). The available evidence is insufficient to determine the role of this variant in disease conclusively. Therefore, this variant is classified as a Variant of Uncertain Significance.

Literature cited by the submitters: PubMed 17576681 (cited by Labcorp Genetics (formerly Invitae), Labcorp); PubMed 9536098 (cited by Labcorp Genetics (formerly Invitae), Labcorp).